The following is an entry in ClinVar:

ClinVar aggregate classification (germline): Uncertain significance (1 of 4 stars; one submission).

Allele frequency attached by ClinVar (database versions not stated): gnomAD exomes below 0.00001; TOPMed below 0.00001.
gnomAD v4.1: 2 of 1,611,646 alleles (0.00012%); highest among the groups gnomAD compares: East Asian, 0.0022%; no homozygotes.

Submission:

Labcorp Genetics (formerly Invitae), Labcorp
Classification: Uncertain significance. Last evaluated: 2022-11-28. Review status: criteria provided, single submitter. Criteria: Invitae Variant Classification Sherloc (09022015). Collection method: clinical testing. Allele origin: germline.
Comment: Algorithms developed to predict the effect of missense changes on protein structure and function (SIFT, PolyPhen-2, Align-GVGD) all suggest that this variant is likely to be tolerated. In summary, the available evidence is currently insufficient to determine the role of this variant in disease. Therefore, it has been classified as a Variant of Uncertain Significance. This variant has not been reported in the literature in individuals affected with AP3D1-related conditions. This variant is not present in population databases (gnomAD no frequency). This sequence change replaces lysine, which is basic and polar, with glutamic acid, which is acidic and polar, at codon 751 of the AP3D1 protein (p.Lys751Glu).

NM_001261826.3(AP3D1):c.2251A>G (p.Lys751Glu)

Gene: AP3D1 (adaptor related protein complex 3 subunit delta 1; minus strand). Cytogenetic location: 19p13.3.
Variant type: single nucleotide variant.
Coding change: c.2251A>G on transcript NM_001261826.3 (MANE Select); coding-DNA position 2251, A replaced by G.
Protein change: p.Lys751Glu; replaces lysine 751 with glutamic acid.
Molecular consequence: missense variant.
Genome position (GRCh38, 1-based): chr19:2,115,317, T>C on the plus strand (A>G on the coding strand, the complement: AP3D1 is on the minus strand). VCF-style: chr19-2115317-T-C. GRCh37 (hg19) VCF-style: chr19-2115316-T-C.
Other names: c.2251A>G, p.Lys751Glu (NM_001374799.1, NM_003938.8); short protein forms K751E.
Identifiers: ClinVar variation 2989494 (VCV002989494.3), dbSNP rs1204968829, ClinGen allele CA403213016.